The following is an entry in ClinVar:

ClinVar aggregate classification (germline): Uncertain significance (1 of 4 stars; one submission).

Conditions:
Intellectual disability. Also called: Intellectual functioning disability; intellectual disabilities; Intellectual developmental disorder. Identifiers: MedGen C3714756, MeSH D008607, MONDO:0001071, HP:0001249.

Submission:

Labcorp Genetics (formerly Invitae), Labcorp
Classification: Uncertain significance for Intellectual disability. Last evaluated: 2025-04-08. Review status: criteria provided, single submitter. Criteria: Invitae Variant Classification Sherloc (09022015). Collection method: clinical testing. Allele origin: germline.
Comment: This sequence change replaces leucine, which is neutral and non-polar, with arginine, which is basic and polar, at codon 207 of the GABRB2 protein (p.Leu207Arg). This variant is not present in population databases (gnomAD no frequency). This variant has not been reported in the literature in individuals affected with GABRB2-related conditions. Invitae Evidence Modeling of protein sequence and biophysical properties (such as structural, functional, and spatial information, amino acid conservation, physicochemical variation, residue mobility, and thermodynamic stability) indicates that this missense variant is expected to disrupt GABRB2 protein function with a positive predictive value of 95%. In summary, the available evidence is currently insufficient to determine the role of this variant in disease. Therefore, it has been classified as a Variant of Uncertain Significance.

NM_001371727.1(GABRB2):c.620T>G (p.Leu207Arg)

Gene: GABRB2 (gamma-aminobutyric acid type A receptor subunit beta2; minus strand). Cytogenetic location: 5q34.
Variant type: single nucleotide variant.
Coding change: c.620T>G on transcript NM_001371727.1 (MANE Select); coding-DNA position 620, T replaced by G.
Protein change: p.Leu207Arg; replaces leucine 207 with arginine.
Molecular consequence: missense variant.
Genome position (GRCh38, 1-based): chr5:161,336,691, A>C on the plus strand (T>G on the coding strand, the complement: GABRB2 is on the minus strand). VCF-style: chr5-161336691-A-C. GRCh37 (hg19) VCF-style: chr5-160763698-A-C.
Other names: c.620T>G, p.Leu207Arg (NM_000813.3, NM_021911.3); short protein forms L207R.
Identifiers: ClinVar variation 4801566 (VCV004801566.1).
Genomic context (GRCh38, chr5:161,336,691, plus strand): 5'-CCTGTGGAAAAAACAACCTTCTTGGTGATAAGTTTGTAATCTACAATAGAGAACTGTGGA[A>C]GTTCAATTTTCGTTACTCCTGTTACTGCATTATCATCGCCACGCCAGTAAAACTCAATGT-3'
Protein context (NP_001358656.1, residues 197-217): NAVTGVTKIE[Leu207Arg]PQFSIVDYKL